The following is an entry in ClinVar:

ClinVar aggregate classification (germline): Uncertain significance (1 of 4 stars; one submission).

gnomAD v4.1: 7 of 1,613,982 alleles (0.00043%); highest among the groups gnomAD compares: African/African-American, 0.0053%; no homozygotes.

Submission:

ARUP Laboratories, Molecular Genetics and Genomics, ARUP Laboratories
Classification: Uncertain significance. Last evaluated: 2025-01-24. Review status: criteria provided, single submitter. Criteria: ARUP Molecular Germline Variant Investigation Process 2024. Collection method: clinical testing. Allele origin: germline.
Comment: The GCLC c.1547C>T; p.Thr516Ile variant (rs374629517), to our knowledge, is not reported in the medical literature or gene specific databases. This variant is only observed on two alleles in the Genome Aggregation Database (v2.1.1), indicating it is not a common polymorphism. Computational analyses predict that this variant is neutral (REVEL: 0.07). Due to limited information, the clinical significance of this variant is uncertain at this time.

NM_001498.4(GCLC):c.1547C>T (p.Thr516Ile)

Genes: GCLC (glutamate-cysteine ligase catalytic subunit; minus strand), GCLC-AS1 (GCLC antisense RNA 1; plus strand). Cytogenetic location: 6p12.1.
Variant type: single nucleotide variant.
Coding change: c.1547C>T on transcript NM_001498.4 (MANE Select); coding-DNA position 1547, C replaced by T.
Protein change: p.Thr516Ile; replaces threonine 516 with isoleucine.
Molecular consequence: missense variant.
Genome position (GRCh38, 1-based): chr6:53,500,281, G>A on the plus strand (C>T on the coding strand, the complement: GCLC is on the minus strand). VCF-style: chr6-53500281-G-A. GRCh37 (hg19) VCF-style: chr6-53365079-G-A.
Other names: c.1433C>T, p.Thr478Ile (NM_001197115.2); short protein forms T478I, T516I.
Identifiers: ClinVar variation 4685580 (VCV004685580.1).
Genomic context (GRCh38, chr6:53,500,281, plus strand): 5'-GGTACTGTACAGGGCCACCCTCCTACCTTCCCATTGATGATGGTGTCTATGCTCATGAGG[G>A]TGTACTCCTCTGCAGCGAGCTCCGTGCTGTTCTGGGCCTTGCCACAACCATCCACCACTG-3'
Protein context (NP_001489.1, residues 506-526): NSTELAAEEY[Thr516Ile]LMSIDTIING